The following is an entry in ClinVar:

NM_031229.4(RBCK1):c.1357G>A (p.Val453Met)

Gene: RBCK1 (RANBP2-type and C3HC4-type zinc finger containing 1; plus strand). Cytogenetic location: 20p13.
Variant type: single nucleotide variant.
Coding change: c.1357G>A on transcript NM_031229.4 (MANE Select); coding-DNA position 1357, G replaced by A.
Protein change: p.Val453Met; replaces valine 453 with methionine.
Molecular consequence: missense variant. On other transcripts: non-coding transcript variant (1).
Genome position (GRCh38, 1-based): chr20:428,999, G>A. VCF-style: chr20-428999-G-A. GRCh37 (hg19) VCF-style: chr20-409643-G-A.
Other names: c.847G>A, p.Val283Met (NM_001323956.2, NM_001323958.2); c.1408G>A, p.Val470Met (NM_001410770.1); c.1231G>A, p.Val411Met (NM_006462.6); short protein forms V283M, V411M, V453M, V470M.
Identifiers: ClinVar variation 2078118 (VCV002078118.3), dbSNP rs1341818047, ClinGen allele CA407938211.

ClinVar aggregate classification (germline): Uncertain significance (1 of 4 stars; one submission).

Conditions:
Polyglucosan body myopathy type 1 (PGBM1). Also called: Polyglucosan body myopathy 1 with or without immunodeficiency; POLYGLUCOSAN BODY MYOPATHY WITHOUT IMMUNODEFICIENCY. Identifiers: Orphanet 329173, Orphanet 397937, MedGen C4014605, MONDO:0014389, OMIM 615895.

Allele frequency attached by ClinVar (database versions not stated): TOPMed below 0.00001; gnomAD 0.00001.
gnomAD v4.1: 11 of 1,611,970 alleles (0.00068%); highest among the groups gnomAD compares: Admixed American, 0.005%; no homozygotes.

Submission:

Labcorp Genetics (formerly Invitae), Labcorp
Classification: Uncertain significance for Polyglucosan body myopathy type 1. Last evaluated: 2022-06-01. Review status: criteria provided, single submitter. Criteria: Invitae Variant Classification Sherloc (09022015). Collection method: clinical testing. Allele origin: germline.
Comment: In summary, the available evidence is currently insufficient to determine the role of this variant in disease. Therefore, it has been classified as a Variant of Uncertain Significance. Algorithms developed to predict the effect of missense changes on protein structure and function are either unavailable or do not agree on the potential impact of this missense change (SIFT: "Not Available"; PolyPhen-2: "Benign"; Align-GVGD: "Not Available"). This variant has not been reported in the literature in individuals affected with RBCK1-related conditions. This variant is present in population databases (no rsID available, gnomAD 0.007%). This sequence change replaces valine, which is neutral and non-polar, with methionine, which is neutral and non-polar, at codon 453 of the RBCK1 protein (p.Val453Met).